The following is an entry in ClinVar:

NM_002299.4(LCT):c.5665dup (p.Ser1889fs)

Gene: LCT (lactase; minus strand). Cytogenetic location: 2q21.3.
Variant type: Duplication.
Coding change: c.5665dup on transcript NM_002299.4 (MANE Select); coding-DNA position 5665, one base duplicated (T; older notation c.5665dupT).
Protein change: p.Ser1889fs; shifts the reading frame from serine 1889.
Molecular consequence: frameshift variant.
Genome position (GRCh38, 1-based): chr2:135,788,443, A duplicated on the plus strand (T on the coding strand, the reverse complement: LCT is on the minus strand); the first of 4 consecutive A bases (chr2:135,788,443-135,788,446); duplicating any one gives the same sequence. VCF-style (leftmost placement, unchanged base first): chr2-135788442-G-GA. GRCh37 (hg19) VCF-style: chr2-136546012-G-GA.
Other names: short protein forms S1889fs.
Identifiers: ClinVar variation 2121256 (VCV002121256.2), dbSNP rs1422706270, ClinGen allele CA757453734.

ClinVar aggregate classification (germline): Uncertain significance (1 of 4 stars; one submission).

Submission:

Labcorp Genetics (formerly Invitae), Labcorp
Classification: Uncertain significance. Last evaluated: 2026-01-12. Review status: criteria provided, single submitter. Criteria: Invitae Variant Classification Sherloc (09022015). Collection method: clinical testing. Allele origin: germline.
Comment: This sequence change creates a premature translational stop signal (p.Ser1889Phefs*22) in the LCT gene. While this is not anticipated to result in nonsense mediated decay, it is expected to disrupt the last 39 amino acid(s) of the LCT protein. This variant is not present in population databases (gnomAD no frequency). This variant has not been reported in the literature in individuals affected with LCT-related conditions. ClinVar contains an entry for this variant (Variation ID: 2121256). Experimental studies and prediction algorithms are not available or were not evaluated, and the functional significance of this variant is currently unknown. In summary, the available evidence is currently insufficient to determine the role of this variant in disease. Therefore, it has been classified as a Variant of Uncertain Significance.